The following is an entry in ClinVar:

NM_016122.3(CEP83):c.1537T>A (p.Phe513Ile)

Gene: CEP83 (centrosomal protein 83; minus strand). Cytogenetic location: 12q22.
Variant type: single nucleotide variant.
Coding change: c.1537T>A on transcript NM_016122.3 (MANE Select); coding-DNA position 1537, T replaced by A.
Protein change: p.Phe513Ile; replaces phenylalanine 513 with isoleucine.
Molecular consequence: missense variant. On other transcripts: non-coding transcript variant (2).
Genome position (GRCh38, 1-based): chr12:94,333,522, A>T on the plus strand (T>A on the coding strand, the complement: CEP83 is on the minus strand). VCF-style: chr12-94333522-A-T. GRCh37 (hg19) VCF-style: chr12-94727298-A-T.
Other names: c.1537T>A, p.Phe513Ile (NM_001042399.2, NM_001346457.2, NM_001368037.1 and 1 more transcripts); c.1225T>A, p.Phe409Ile (NM_001346458.2, NM_001346459.2, NM_001368039.1 and 1 more transcripts); c.1312T>A, p.Phe438Ile (NM_001368041.1); short protein forms F409I, F438I, F513I.
Identifiers: ClinVar variation 1428106 (VCV001428106.6), dbSNP rs2136514603, ClinGen allele CA386144102.

ClinVar aggregate classification (germline): Uncertain significance (1 of 4 stars; one submission).

Conditions:
Nephronophthisis 18 (NPHP18). Identifiers: Orphanet 655, MedGen C3890591, MONDO:0014374, OMIM 615862.

Submission:

Labcorp Genetics (formerly Invitae), Labcorp
Classification: Uncertain significance for Nephronophthisis 18. Last evaluated: 2021-09-19. Review status: criteria provided, single submitter. Criteria: Invitae Variant Classification Sherloc (09022015). Collection method: clinical testing. Allele origin: germline.
Comment: In summary, the available evidence is currently insufficient to determine the role of this variant in disease. Therefore, it has been classified as a Variant of Uncertain Significance. Algorithms developed to predict the effect of missense changes on protein structure and function are either unavailable or do not agree on the potential impact of this missense change (SIFT: "Not Available"; PolyPhen-2: "Benign"; Align-GVGD: "Not Available"). This variant has not been reported in the literature in individuals affected with CEP83-related conditions. This variant is not present in population databases (ExAC no frequency). This sequence change replaces phenylalanine with isoleucine at codon 513 of the CEP83 protein (p.Phe513Ile). The phenylalanine residue is weakly conserved and there is a small physicochemical difference between phenylalanine and isoleucine.